The following is an entry in ClinVar:

ClinVar aggregate classification (germline): Uncertain significance. Review status: criteria provided, multiple submitters, no conflicts (2 of 4 stars). 2 submissions from 2 submitters: Uncertain significance (2). Last evaluated 2023-04-03.

Conditions:
Hereditary cancer-predisposing syndrome. Also called: Neoplastic Syndromes, Hereditary; Hereditary Cancer Syndrome; Hereditary neoplastic syndrome; Tumor predisposition. Identifiers: Orphanet 140162, MedGen C0027672, MeSH D009386, MONDO:0015356.

Submissions (2):

Ambry Genetics
Classification: Uncertain significance for Hereditary cancer-predisposing syndrome. Last evaluated: 2023-04-03. Review status: criteria provided, single submitter. Criteria: Ambry Variant Classification Scheme 2023. Collection method: clinical testing. Allele origin: germline.
Comment: The p.R761H variant (also known as c.2282G>A), located in coding exon 15 of the CTNNA1 gene, results from a G to A substitution at nucleotide position 2282. The arginine at codon 761 is replaced by histidine, an amino acid with highly similar properties. This amino acid position is highly conserved in available vertebrate species. In addition, the in silico prediction for this alteration is inconclusive. The evidence for this gene-disease relationship is limited; therefore, the clinical significance of this alteration is unclear.

Labcorp Genetics (formerly Invitae), Labcorp
Classification: Uncertain significance. Last evaluated: 2022-08-23. Review status: criteria provided, single submitter. Criteria: Invitae Variant Classification Sherloc (09022015). Collection method: clinical testing. Allele origin: germline.
Comment: This sequence change replaces arginine, which is basic and polar, with histidine, which is basic and polar, at codon 761 of the CTNNA1 protein (p.Arg761His). This variant is not present in population databases (gnomAD no frequency). This variant has not been reported in the literature in individuals affected with CTNNA1-related conditions. Algorithms developed to predict the effect of missense changes on protein structure and function are either unavailable or do not agree on the potential impact of this missense change (SIFT: "Deleterious"; PolyPhen-2: "Probably Damaging"; Align-GVGD: "Class C0"). In summary, the available evidence is currently insufficient to determine the role of this variant in disease. Therefore, it has been classified as a Variant of Uncertain Significance.

NM_001903.5(CTNNA1):c.2282G>A (p.Arg761His)

Gene: CTNNA1 (catenin alpha 1; plus strand). Cytogenetic location: 5q31.2.
Variant type: single nucleotide variant.
Coding change: c.2282G>A on transcript NM_001903.5 (MANE Select); coding-DNA position 2282, G replaced by A.
Protein change: p.Arg761His; replaces arginine 761 with histidine.
Molecular consequence: missense variant.
Genome position (GRCh38, 1-based): chr5:138,930,919, G>A. VCF-style: chr5-138930919-G-A. GRCh37 (hg19) VCF-style: chr5-138266608-G-A.
Other names: c.929G>A, p.Arg310His (NM_001324012.1, NM_001324013.1); c.2282G>A (NM_001903.2); c.2282G>A, p.Arg761His (NM_001290307.3, NM_001323982.2, NM_001323983.1 and 2 more transcripts); c.1973G>A, p.Arg658His (NM_001290309.3); c.1913G>A, p.Arg638His (NM_001290310.3); c.1172G>A, p.Arg391His (NM_001290312.1, NM_001323987.1, NM_001323988.1 and 17 more transcripts); c.2189G>A, p.Arg730His (NM_001323986.2); c.833G>A, p.Arg278His (NM_001324006.1, NM_001324007.1, NM_001324008.1 and 2 more transcripts); and 1 more; short protein forms R638H, R278H, R360H, R391H, R658H, R310H, R730H, R761H.
Identifiers: ClinVar variation 2044455 (VCV002044455.6), dbSNP rs1368309620, ClinGen allele CA361133944.